The following is an entry in ClinVar:

ClinVar aggregate classification (germline): Likely pathogenic (1 of 4 stars; one submission).

Conditions:
Glycogen storage disease type III (GSD3). Also called: Cori disease; FORBES DISEASE. Identifiers: Orphanet 366, MedGen C0017922, MONDO:0009291, OMIM 232400.

Submission:

Myriad Genetics, Inc.
Classification: Likely pathogenic for Glycogen storage disease type III. Last evaluated: 2019-09-26. Review status: criteria provided, single submitter. Criteria: Myriad Women's Health Autosomal Recessive and X-Linked Classification Criteria (2019). Collection method: clinical testing. Allele origin: unknown.
Comment: NM_000642.2(AGL):c.3480T>A(C1160*) is expected to be pathogenic in the context of glycogen storage disease type III. This variant is predicted to lead to an abnormal or absent protein product due to the creation of a premature termination codon in AGL, a gene where loss-of-function variants are known to be pathogenic. Please note: this variant was assessed in the context of healthy population screening.

NM_000642.3(AGL):c.3480T>A (p.Cys1160Ter)

Gene: AGL (amylo-alpha-1,6-glucosidase and 4-alpha-glucanotransferase; plus strand). Cytogenetic location: 1p21.2.
Variant type: single nucleotide variant.
Coding change: c.3480T>A on transcript NM_000642.3 (MANE Select); coding-DNA position 3480, T replaced by A.
Protein change: p.Cys1160Ter; replaces cysteine 1160 with a stop codon.
Molecular consequence: nonsense.
Genome position (GRCh38, 1-based): chr1:99,900,753, T>A. VCF-style: chr1-99900753-T-A. GRCh37 (hg19) VCF-style: chr1-100366309-T-A.
Other names: c.3480T>A, p.Cys1160Ter (NM_000028.3, NM_000643.3, NM_000644.3 and 1 more transcripts); c.3432T>A, p.Cys1144Ter (NM_000646.3); c.3459T>A, p.Cys1153Ter (NM_001425326.1); c.3279T>A, p.Cys1093Ter (NM_001425327.1); c.3276T>A, p.Cys1092Ter (NM_001425328.1); c.3141T>A, p.Cys1047Ter (NM_001425329.1); c.3102T>A, p.Cys1034Ter (NM_001425332.1); short protein forms C1144*, C1160*, C1034*, C1047*, C1092*, C1093*, C1153*.
Identifiers: ClinVar variation 984280 (VCV000984280.3), dbSNP rs763652784, ClinGen allele CA341331656.